The following is an entry in ClinVar:

ClinVar aggregate classification (germline): Uncertain significance (1 of 4 stars; one submission).

Submission:

Labcorp Genetics (formerly Invitae), Labcorp
Classification: Uncertain significance. Last evaluated: 2025-05-08. Review status: criteria provided, single submitter. Criteria: Invitae Variant Classification Sherloc (09022015). Collection method: clinical testing. Allele origin: germline.
Comment: This sequence change replaces histidine, which is basic and polar, with glutamine, which is neutral and polar, at codon 23 of the MGP protein (p.His23Gln). This variant is not present in population databases (gnomAD no frequency). This variant has not been reported in the literature in individuals affected with MGP-related conditions. An algorithm developed to predict the effect of missense changes on protein structure and function (PolyPhen-2) suggests that this variant is likely to be disruptive. In summary, the available evidence is currently insufficient to determine the role of this variant in disease. Therefore, it has been classified as a Variant of Uncertain Significance.

NM_000900.5(MGP):c.69T>G (p.His23Gln)

Gene: MGP (matrix Gla protein; minus strand). Cytogenetic location: 12p12.3.
Variant type: single nucleotide variant.
Coding change: c.69T>G on transcript NM_000900.5 (MANE Select); coding-DNA position 69, T replaced by G.
Protein change: p.His23Gln; replaces histidine 23 with glutamine.
Molecular consequence: missense variant.
Genome position (GRCh38, 1-based): chr12:14,884,238, A>C on the plus strand (T>G on the coding strand, the complement: MGP is on the minus strand). VCF-style: chr12-14884238-A-C. GRCh37 (hg19) VCF-style: chr12-15037172-A-C.
Other names: c.144T>G, p.His48Gln (NM_001190839.3); short protein forms H23Q, H48Q.
Identifiers: ClinVar variation 4708196 (VCV004708196.1).